The following is an entry in ClinVar:

NM_000186.4(CFH):c.3607C>T (p.Arg1203Trp)

Gene: CFH (complement factor H; plus strand). Cytogenetic location: 1q31.3.
Variant type: single nucleotide variant.
Coding change: c.3607C>T on transcript NM_000186.4 (MANE Select); coding-DNA position 3607, C replaced by T.
Protein change: p.Arg1203Trp; replaces arginine 1203 with tryptophan.
Molecular consequence: missense variant.
Genome position (GRCh38, 1-based): chr1:196,747,224, C>T. VCF-style: chr1-196747224-C-T. GRCh37 (hg19) VCF-style: chr1-196716354-C-T.
Other names: short protein forms R1203W.
Identifiers: ClinVar variation 1163686 (VCV001163686.9), dbSNP rs145347741, ClinGen allele CA1305986.

ClinVar aggregate classification (germline): Conflicting classifications of pathogenicity. Review status: criteria provided, conflicting classifications (1 of 4 stars). 5 submissions from 5 submitters: Uncertain significance (3); Likely benign (2). Last evaluated 2025-10-02.

Conditions:
Basal laminar drusen. Also called: DRUSEN OF BRUCH MEMBRANE; DRUSEN, CUTICULAR; DRUSEN, EARLY ADULT-ONSET, GROUPED. Identifiers: Orphanet 75376, MedGen C0730295, MONDO:0007472, OMIM 126700.
Factor H deficiency (CFHD). Also called: COMPLEMENT FACTOR H DEFICIENCY; CFH DEFICIENCY. Identifiers: Orphanet 200421, MedGen C0398777, MONDO:0012350, OMIM 609814.
Hemolytic uremic syndrome, atypical, susceptibility to, 1. Also called: AHUS, SUSCEPTIBILITY TO, 1. Identifiers: Orphanet 2134, Orphanet 90038, MedGen C2749604, MONDO:0009335, OMIM 235400. Disease mechanism: Other.
Age related macular degeneration 4. Identifiers: MedGen C1853147, MONDO:0012540, OMIM 610698.
Atypical hemolytic-uremic syndrome. Identifiers: Orphanet 2134, MedGen C2931788, MONDO:0016244.

Allele frequency attached by ClinVar (database versions not stated): TOPMed 0.00012; gnomAD 0.00013; 1000 Genomes Project 30x 0.00016; 1000 Genomes Project 0.00020; ESP Exome Variant Server 0.00038.
gnomAD v4.1: 49 of 1,613,798 alleles (0.003%); highest among the groups gnomAD compares: African/African-American, 0.031%; no homozygotes.

Submissions (5):

Genomenon, Inc
Classification: Uncertain significance for Atypical hemolytic-uremic syndrome. Last evaluated: 2025-10-02. Review status: criteria provided, single submitter. Criteria: Genomenon Sequence Variant Interpretation Standards - Updated. Collection method: curation. Allele origin: germline. Affected: yes.
Comment: CFH p.Arg1203Trp (c.3607C>T) is a missense variant that changes the amino acid at residue 1203 from Arginine to Tryptophan. This variant has been observed in at least one proband affected with atypical hemolytic-uremic syndrome (PMID:20106822;30890598;25400666;26826462). Functional studies have been reported (PMID:34189567). It is absent or not present at a significant frequency in gnomAD. In silico models agree that this variant is not damaging. In conclusion, we classify CFH p.Arg1203Trp (c.3607C>T) as a variant of uncertain significance.

Johns Hopkins Genomics, Johns Hopkins University
Classification: Likely benign for Factor H deficiency. Last evaluated: 2025-05-14. Review status: criteria provided, single submitter. Criteria: ACMG Guidelines, 2015. Collection method: clinical testing. Allele origin: germline.
Comment: This variant is classified as likely benign (BS1_supporting, BS2_supporting).

Fulgent Genetics
Classification: Uncertain significance for Basal laminar drusen; Hemolytic uremic syndrome, atypical, susceptibility to, 1; Factor H deficiency; Age related macular degeneration 4. Last evaluated: 2024-05-17. Review status: criteria provided, single submitter. Criteria: ACMG Guidelines, 2015. Collection method: clinical testing. Allele origin: germline.

Blueprint Genetics
Classification: Likely benign. Last evaluated: 2022-06-13. Review status: criteria provided, single submitter. Criteria: ACMG Guidelines, 2015. Collection method: clinical testing. Allele origin: germline.

Mayo Clinic Laboratories, Mayo Clinic
Classification: Uncertain significance. Last evaluated: 2020-03-31. Review status: criteria provided, single submitter. Criteria: ACMG Guidelines, 2015. Collection method: clinical testing. Allele origin: germline. Observed: 1 variant allele.

Literature cited by the submitters: PubMed 20106822 (cited by Genomenon, Inc and Johns Hopkins Genomics, Johns Hopkins University); PubMed 30890598 (cited by Genomenon, Inc); PubMed 25400666 (cited by Genomenon, Inc and Johns Hopkins Genomics, Johns Hopkins University); PubMed 26826462 (cited by Genomenon, Inc and Johns Hopkins Genomics, Johns Hopkins University); PubMed 34189567 (cited by Genomenon, Inc and Johns Hopkins Genomics, Johns Hopkins University); PubMed 32210633 (cited by Johns Hopkins Genomics, Johns Hopkins University).